The following is an entry in ClinVar:

NM_001170629.2(CHD8):c.4285C>T (p.Arg1429Trp)

Gene: CHD8 (chromodomain helicase DNA binding protein 8; minus strand). Cytogenetic location: 14q11.2.
Variant type: single nucleotide variant.
Coding change: c.4285C>T on transcript NM_001170629.2 (MANE Select); coding-DNA position 4285, C replaced by T.
Protein change: p.Arg1429Trp; replaces arginine 1429 with tryptophan.
Molecular consequence: missense variant.
Genome position (GRCh38, 1-based): chr14:21,400,960, G>A on the plus strand (C>T on the coding strand, the complement: CHD8 is on the minus strand). VCF-style: chr14-21400960-G-A. GRCh37 (hg19) VCF-style: chr14-21869119-G-A.
Other names: c.3448C>T, p.Arg1150Trp (NM_020920.4); c.4285C>T (NM_001170629.1); short protein forms R1150W, R1429W.
Identifiers: ClinVar variation 2443034 (VCV002443034.2), dbSNP rs780639697, ClinGen allele CA7091261.
Genomic context (GRCh38, chr14:21,400,960, plus strand): 5'-CCCGAAAGCAGTCAGTGCGCCCATAGGCATGATGACGGTCATGTCTGCGGGAGCGTGGCC[G>A]CTCATCATCCTCACTTTCCAAATCAGAGAATTCCACCAGGTCATCATCTTTCAGAGTGCT-3'
Protein context (NP_001164100.1, residues 1419-1439): FSDLESEDDE[Arg1429Trp]PRSRRHDRHH

ClinVar aggregate classification (germline): Uncertain significance. Review status: criteria provided, multiple submitters, no conflicts (2 of 4 stars). 2 submissions from 2 submitters: Uncertain significance (2). Last evaluated 2023-10-09.

Conditions:
Intellectual developmental disorder with autism and macrocephaly. Also called: Autism, susceptibility to, 18; CHD8-Related Neurodevelopmental Disorder with Overgrowth. Identifiers: Orphanet 642675, MedGen C3554373, MONDO:0014017, OMIM 615032.

Allele frequency attached by ClinVar (database versions not stated): gnomAD exomes 0.00001; TOPMed 0.00001; ExAC 0.00002; gnomAD 0.00002.
gnomAD v4.1: 14 of 1,613,830 alleles (0.00087%); highest among the groups gnomAD compares: South Asian, 0.0022%; no homozygotes.

Submissions (2):

GeneDx
Classification: Uncertain significance. Last evaluated: 2023-10-09. Review status: criteria provided, single submitter. Criteria: GeneDx Variant Classification Process June 2021. Collection method: clinical testing. Allele origin: germline. Affected: yes.
Comment: In silico analysis supports that this missense variant has a deleterious effect on protein structure/function; Has not been previously published as pathogenic or benign to our knowledge

Johns Hopkins Genomics, Johns Hopkins University
Classification: Uncertain significance for Intellectual developmental disorder with autism and macrocephaly. Last evaluated: 2022-10-10. Review status: criteria provided, single submitter. Criteria: ACMG Guidelines, 2015. Collection method: clinical testing. Allele origin: germline.
Comment: This CHD variant (rs780639697) is rare (<0.1%) in a large population dataset (gnomAD: 3/249090 total alleles; 0.0012%; no homozygotes) and has not been reported in ClinVar nor the literature, to our knowledge. Two bioinformatic tools queried predict that this substitution (p.Arg1429Trp) would be damaging, and the arginine residue at this position is strongly conserved across the mammalian species assessed. Bioinformatic analysis predicts that this missense variant would not affect normal exon 21 splicing, although this has not been confirmed experimentally to our knowledge. We consider the clinical significance of c.4285C>T to be uncertain at this time.

Literature cited by the submitters: PubMed 31721432 (cited by Johns Hopkins Genomics, Johns Hopkins University); PubMed 31980904 (cited by Johns Hopkins Genomics, Johns Hopkins University).